The following is an entry in ClinVar:

ClinVar aggregate classification (germline): Uncertain significance (0 of 4 stars; one submission).

gnomAD v4.1: 14 of 1,612,518 alleles (0.00087%); highest among the groups gnomAD compares: Non-Finnish European, 0.0011%; no homozygotes.

Submission:

Department of Pathology and Laboratory Medicine, Sinai Health System
Classification: Uncertain significance. Review status: no assertion criteria provided. Collection method: clinical testing. Allele origin: unknown. Affected: yes. Study: The Canadian Open Genetics Repository (COGR).
Comment: The DYNC2H1 p.Arg2237Gly variant was not identified in the literature nor was it identified in ClinVar. The variant was identified in dbSNP (ID: rs763241302) and in control databases in 1 of 248136 chromosomes at a frequency of 0.00000403 (Genome Aggregation Database March 6, 2019, v2.1.1). The variant was observed in the European (non-Finnish) population in 1 of 112302 chromosomes (freq: 0.000009), but was not observed in the African, Latino, Ashkenazi Jewish, East Asian, European (Finnish), Other, or South Asian populations. The p.Arg2237 residue is not conserved in mammals and four out of five computational analyses (PolyPhen-2, SIFT, AlignGVGD, BLOSUM, MutationTaster) do not suggest a high likelihood of impact to the protein; however, this information is not predictive enough to rule out pathogenicity. The variant occurs outside of the splicing consensus sequence and in silico or computational prediction software programs (SpliceSiteFinder, MaxEntScan, NNSPLICE, GeneSplicer) do not predict a difference in splicing. In summary, based on the above information the clinical significance of this variant cannot be determined with certainty at this time. This variant is classified as a variant of uncertain significance.

NM_001377.3(DYNC2H1):c.6709C>G (p.Arg2237Gly)

Gene: DYNC2H1 (dynein cytoplasmic 2 heavy chain 1; plus strand). Cytogenetic location: 11q22.3.
Variant type: single nucleotide variant.
Coding change: c.6709C>G on transcript NM_001377.3 (MANE Select); coding-DNA position 6709, C replaced by G.
Protein change: p.Arg2237Gly; replaces arginine 2237 with glycine.
Molecular consequence: missense variant.
Genome position (GRCh38, 1-based): chr11:103,186,317, C>G. VCF-style: chr11-103186317-C-G. GRCh37 (hg19) VCF-style: chr11-103057046-C-G.
Other names: c.6709C>G, p.Arg2237Gly (NM_001080463.2); short protein forms R2237G.
Identifiers: ClinVar variation 1050257 (VCV001050257.1), dbSNP rs763241302, ClinGen allele CA6254052.